The following is an entry in ClinVar:

GRCh37/hg19 1p36.13-36.12(chr1:17291707-23016395)x4

Genes: UBXN10 (UBX domain protein 10; plus strand), WNT4 (Wnt family member 4; minus strand), ZBTB40 (zinc finger and BTB domain containing 40; plus strand), VWA5B1 (von Willebrand factor A domain containing 5B1; plus strand), USP48 (ubiquitin specific peptidase 48; minus strand) and 62 more. Cytogenetic location: 1p36.13-36.12.
Variant type: copy number gain.
Change: copy number 4 of chr1:17,291,707-23,016,395 (5.72 Mb, GRCh37 coordinates, 1-based), cytogenetic band 1p36.13-36.12.
Identifiers: ClinVar variation 2685031 (VCV002685031.1).

ClinVar aggregate classification (germline): Likely pathogenic (1 of 4 stars; one submission).

Submission:

Quest Diagnostics Nichols Institute San Juan Capistrano
Classification: Likely pathogenic. Last evaluated: 2022-08-31. Review status: criteria provided, single submitter. Criteria: ACMG/ClinGen CNV Guidelines, 2019. Collection method: clinical testing. Allele origin: unknown.
Comment: The copy number gain of 1p36.13p36.12 involves numerous protein-coding genes. Although triplosensitivity has not been established for any genes in this interval and copy number gains of this interval have not yet been associated with a specific clinical phenotype, there are no similar copy number gains of this region in the general populations of the Database of Genomic Variants. Thus, based on the gene content, the classification of this copy number variant (CNV) is likely pathogenic.